The following is an entry in ClinVar:

NM_000219.6(KCNE1):c.290C>T (p.Ala97Val)

Gene: KCNE1 (potassium voltage-gated channel subfamily E regulatory subunit 1; minus strand). Cytogenetic location: 21q22.12.
Variant type: single nucleotide variant.
Coding change: c.290C>T on transcript NM_000219.6 (MANE Select); coding-DNA position 290, C replaced by T.
Protein change: p.Ala97Val; replaces alanine 97 with valine.
Molecular consequence: missense variant.
Genome position (GRCh38, 1-based): chr21:34,449,345, G>A on the plus strand (C>T on the coding strand, the complement: KCNE1 is on the minus strand). VCF-style: chr21-34449345-G-A. GRCh37 (hg19) VCF-style: chr21-35821643-G-A.
Other names: c.290C>T, p.Ala97Val (NM_001127668.4, NM_001127669.4, NM_001127670.4 and 4 more transcripts); short protein forms A97V.
Identifiers: ClinVar variation 3374549 (VCV003374549.2).

Conditions:
Long QT syndrome 5 (LQT5). Identifiers: Orphanet 101016, Orphanet 768, MedGen C1867904, MONDO:0013372, OMIM 613695.

Submission:

Roden Lab, Vanderbilt University Medical Center
No classification provided (evidence only). Condition: Long QT syndrome 5. Review status: no classification provided. Collection method: in vitro. Allele origin: not applicable. Functional consequence: Effect on ion channel function.
ClinVar note: "not provided" was previously submitted as the classification for the variant. However, the classification appeared to be based only on an observation of functional data so it was converted to no classification on 2025-07-30.